The following is an entry in ClinVar:

NM_000466.3(PEX1):c.2226+1G>T

Gene: PEX1 (peroxisomal biogenesis factor 1; minus strand). Cytogenetic location: 7q21.2.
Variant type: single nucleotide variant.
Coding change: c.2226+1G>T on transcript NM_000466.3 (MANE Select); the canonical splice donor site of the intron after coding-DNA position 2226, G replaced by T.
Molecular consequence: splice donor variant.
Genome position (GRCh38, 1-based): chr7:92,503,040, C>A on the plus strand (G>T on the coding strand, the complement: PEX1 is on the minus strand). VCF-style: chr7-92503040-C-A. GRCh37 (hg19) VCF-style: chr7-92132354-C-A.
Other names: c.2055+1G>T (NM_001282677.2); c.1602+1G>T (NM_001282678.2).
Identifiers: ClinVar variation 4818392 (VCV004818392.1).

ClinVar aggregate classification (germline): Pathogenic (1 of 4 stars; one submission).

Conditions:
Zellweger spectrum disorders (ZS). Also called: Zellweger Spectrum Disorder (ZSD); Zellweger syndrome; Zellweger Spectrum Disorder; Zellweger Spectrum. Identifiers: Orphanet 912, MedGen C0043459, MONDO:0019609.

Submission:

Natera, Inc.
Classification: Pathogenic for Zellweger syndrome. Last evaluated: 2026-01-08. Review status: criteria provided, single submitter. Criteria: Natera Variant Classification Schema (03/2026). Collection method: clinical testing. Allele origin: germline.
Comment: The c.2226+1G>T variant in PEX1 is a canonical splice donor site variant predicted to affect pre-mRNA splicing, which may result in an abnormal transcript and altered protein product. This variant is expected to result in nonsense mediated decay, truncation, or a dysfunctional protein product. This variant is rare in the general population with a frequency below the threshold expected for the associated phenotype(s). Another variant at this same site results in an alteration predicted to cause a similar molecular effect has been observed in individual(s) with the associated phenotype. Given the available evidence, this variant is classified as Pathogenic.